The following is an entry in ClinVar:

NM_001127221.2(CACNA1A):c.5596G>A (p.Gly1866Ser)

Gene: CACNA1A (calcium voltage-gated channel subunit alpha1 A; minus strand). Cytogenetic location: 19p13.13.
Variant type: single nucleotide variant.
Coding change: c.5596G>A on transcript NM_001127221.2 (MANE Plus Clinical); coding-DNA position 5596, G replaced by A.
Protein change: p.Gly1866Ser; replaces glycine 1866 with serine.
Molecular consequence: missense variant. On other transcripts: intron variant (4).
Genome position (GRCh38, 1-based): chr19:13,228,731, C>T on the plus strand (G>A on the coding strand, the complement: CACNA1A is on the minus strand). VCF-style: chr19-13228731-C-T. GRCh37 (hg19) VCF-style: chr19-13339545-C-T.
Other names: c.5529-1204G>A (NM_001127222.2); c.5538-1204G>A (NM_001174080.2); c.5547-1204G>A (NM_000068.4, NM_023035.3); short protein forms G1866S.
Identifiers: ClinVar variation 1500114 (VCV001500114.8), dbSNP rs2144616611, ClinGen allele CA404331481.

ClinVar aggregate classification (germline): Uncertain significance (1 of 4 stars; one submission).

Conditions:
Episodic ataxia type 2 (EA2). Also called: ATAXIA, EPISODIC, WITH NYSTAGMUS; ATAXIA, FAMILIAL PAROXYSMAL; CEREBELLAR ATAXIA, PAROXYSMAL, ACETAZOLAMIDE-RESPONSIVE; CEREBELLOPATHY, HEREDITARY PAROXYSMAL; ACETAZOLAMIDE-RESPONSIVE HEREDITARY PAROXYSMAL CEREBELLAR ATAXIA; EPISODIC ATAXIA, NYSTAGMUS-ASSOCIATED. Identifiers: Orphanet 97, MedGen C1720416, MONDO:0007163, OMIM 108500.
Developmental and epileptic encephalopathy, 42 (DEE42A). Also called: DEVELOPMENTAL AND EPILEPTIC ENCEPHALOPATHY 42A; EPILEPTIC ENCEPHALOPATHY, EARLY INFANTILE, 42A; Epileptic encephalopathy, early infantile, 42. Identifiers: MedGen C4310716, MONDO:0014917, OMIM 617106.

Submission:

Labcorp Genetics (formerly Invitae), Labcorp
Classification: Uncertain significance for Developmental and epileptic encephalopathy, 42; Episodic ataxia type 2. Last evaluated: 2022-02-05. Review status: criteria provided, single submitter. Criteria: Invitae Variant Classification Sherloc (09022015). Collection method: clinical testing. Allele origin: germline.
Comment: In summary, the available evidence is currently insufficient to determine the role of this variant in disease. Therefore, it has been classified as a Variant of Uncertain Significance. Algorithms developed to predict the effect of sequence changes on RNA splicing suggest that this variant may create or strengthen a splice site. Advanced modeling of protein sequence and biophysical properties (such as structural, functional, and spatial information, amino acid conservation, physicochemical variation, residue mobility, and thermodynamic stability) performed at Invitae indicates that this missense variant is expected to disrupt CACNA1A protein function. This variant has not been reported in the literature in individuals affected with CACNA1A-related conditions. This variant is not present in population databases (gnomAD no frequency). This sequence change replaces glycine, which is neutral and non-polar, with serine, which is neutral and polar, at codon 1866 of the CACNA1A protein (p.Gly1866Ser).